The following is an entry in ClinVar:

ClinVar aggregate classification (germline): Conflicting classifications of pathogenicity. Review status: criteria provided, conflicting classifications (1 of 4 stars). 4 submissions from 4 submitters: Uncertain significance (3); Likely benign (1). Last evaluated 2026-03-24.

Conditions:
Retinitis pigmentosa 71 (RP71). Identifiers: Orphanet 791, MedGen C4225342, MONDO:0014618, OMIM 616394.
Bardet-Biedl syndrome 20. Identifiers: MedGen C4310707, MONDO:0023670, OMIM 619471, MONDO:0014926.
Short-rib thoracic dysplasia 10 with or without polydactyly (SRTD10). Identifiers: Orphanet 474, MedGen C3810175, MONDO:0014284, OMIM 615630.
IFT172-related disorder. Also called: IFT172-related disorders; IFT172-related condition.

Allele frequency attached by ClinVar (database versions not stated): TOPMed 0.00004; ExAC 0.00005; ESP Exome Variant Server 0.00008; gnomAD 0.00005 and 0.00004; 1000 Genomes Project 0.00040; gnomAD exomes 0.00001 and 0.00003; 1000 Genomes Project 30x 0.00047.
gnomAD v4.1: 19 of 1,614,192 alleles (0.0012%); highest among the groups gnomAD compares: African/African-American, 0.023%; no homozygotes.

Submissions (4):

PreventionGenetics, part of Exact Sciences
Classification: Uncertain significance for IFT172-related condition. Last evaluated: 2026-03-24. Review status: criteria provided, single submitter. Criteria: ACMG Guidelines, 2015. Collection method: clinical testing. Allele origin: germline.
Comment: The IFT172 c.4811C>T variant is predicted to result in the amino acid substitution p.Thr1604Ile. To our knowledge, this variant has not been reported in the literature. This variant is reported in 0.040% of alleles in individuals of African descent in gnomAD. At this time, the clinical significance of this variant is uncertain due to the absence of conclusive functional and genetic evidence.

Labcorp Genetics (formerly Invitae), Labcorp
Classification: Likely benign for Retinitis pigmentosa 71; Short-rib thoracic dysplasia 10 with or without polydactyly. Last evaluated: 2025-01-28. Review status: criteria provided, single submitter. Criteria: Invitae Variant Classification Sherloc (09022015). Collection method: clinical testing. Allele origin: germline.

Fulgent Genetics
Classification: Uncertain significance for Short-rib thoracic dysplasia 10 with or without polydactyly; Retinitis pigmentosa 71; Bardet-Biedl syndrome 20. Last evaluated: 2021-11-04. Review status: criteria provided, single submitter. Criteria: ACMG Guidelines, 2015. Collection method: clinical testing. Allele origin: unknown.

GeneDx
Classification: Uncertain significance. Last evaluated: 2019-10-25. Review status: criteria provided, single submitter. Criteria: GeneDx Variant Classification Process June 2021. Collection method: clinical testing. Allele origin: germline. Affected: yes.
Comment: In silico analysis, which includes protein predictors and evolutionary conservation, supports that this variant does not alter protein structure/function; Has not been previously published as pathogenic or benign to our knowledge

NM_015662.3(IFT172):c.4811C>T (p.Thr1604Ile)

Genes: IFT172 (intraflagellar transport 172; minus strand), KRTCAP3 (keratinocyte associated protein 3; plus strand). Cytogenetic location: 2p23.3.
Variant type: single nucleotide variant.
Coding change: c.4811C>T on transcript NM_015662.3 (MANE Select); coding-DNA position 4811, C replaced by T.
Protein change: p.Thr1604Ile; replaces threonine 1604 with isoleucine.
Molecular consequence: missense variant. On other transcripts: intron variant (1).
Genome position (GRCh38, 1-based): chr2:27,445,933, G>A on the plus strand (C>T on the coding strand, the complement: IFT172 is on the minus strand). VCF-style: chr2-27445933-G-A. GRCh37 (hg19) VCF-style: chr2-27668800-G-A.
Other names: c.4745C>T, p.Thr1582Ile (NM_001410739.1); c.*6-368G>A (NM_001168364.2); short protein forms T1604I, T1582I.
Identifiers: ClinVar variation 843597 (VCV000843597.14), dbSNP rs115716101, ClinGen allele CA1579470.
Genomic context (GRCh38, chr2:27,445,933, plus strand): 5'-GCACAGCTCGCGACTGGCAAAAACCTCCACCCTCGGGGCACAGCTTCCCTACTCACATCG[G>A]TCAGGTCCAAAAAGCGATTGAGGAAGATGAATGCCATGTTATCCCAGCCAACTGCCTGCA-3'
Protein context (NP_056477.1, residues 1594-1614): FIFLNRFLDL[Thr1604Ile]DAIEEGTLDG